The following is an entry in ClinVar:

NM_006514.4(SCN10A):c.5254G>C (p.Asp1752His)

Gene: SCN10A (sodium voltage-gated channel alpha subunit 10; minus strand). Cytogenetic location: 3p22.2.
Variant type: single nucleotide variant.
Coding change: c.5254G>C on transcript NM_006514.4 (MANE Select); coding-DNA position 5254, G replaced by C.
Protein change: p.Asp1752His; replaces aspartic acid 1752 with histidine.
Molecular consequence: missense variant.
Genome position (GRCh38, 1-based): chr3:38,697,966, C>G on the plus strand (G>C on the coding strand, the complement: SCN10A is on the minus strand). VCF-style: chr3-38697966-C-G. GRCh37 (hg19) VCF-style: chr3-38739457-C-G.
Other names: c.5251G>C, p.Asp1751His (NM_001293306.2); c.4960G>C, p.Asp1654His (NM_001293307.2); short protein forms D1654H, D1752H, D1751H.
Identifiers: ClinVar variation 4160547 (VCV004160547.1).

ClinVar aggregate classification (germline): Uncertain significance (1 of 4 stars; one submission).

Conditions:
Cardiovascular phenotype. Identifiers: MedGen CN230736.

Submission:

Ambry Genetics
Classification: Uncertain significance for Cardiovascular phenotype. Last evaluated: 2025-07-21. Review status: criteria provided, single submitter. Criteria: Ambry Variant Classification Scheme 2023. Collection method: clinical testing. Allele origin: germline.
Comment: The p.D1752H variant (also known as c.5254G>C), located in coding exon 27 of the SCN10A gene, results from a G to C substitution at nucleotide position 5254. The aspartic acid at codon 1752 is replaced by histidine, an amino acid with similar properties. This amino acid position is conserved. In addition, this alteration is predicted to be deleterious by in silico analysis. Based on the available evidence, the clinical significance of this variant remains unclear.